The following is an entry in ClinVar:

ClinVar aggregate classification (germline): Uncertain significance. Review status: criteria provided, multiple submitters, no conflicts (2 of 4 stars). 2 submissions from 2 submitters: Uncertain significance (2). Last evaluated 2025-08-03.

Submissions (2):

Labcorp Genetics (formerly Invitae), Labcorp
Classification: Uncertain significance. Last evaluated: 2025-08-03. Review status: criteria provided, single submitter. Criteria: Invitae Variant Classification Sherloc (09022015). Collection method: clinical testing. Allele origin: germline.
Comment: This sequence change replaces threonine, which is neutral and polar, with isoleucine, which is neutral and non-polar, at codon 1191 of the SAMD9 protein (p.Thr1191Ile). This variant is not present in population databases (gnomAD no frequency). This variant has not been reported in the literature in individuals affected with SAMD9-related conditions. ClinVar contains an entry for this variant (Variation ID: 2694191). Invitae Evidence Modeling of protein sequence and biophysical properties (such as structural, functional, and spatial information, amino acid conservation, physicochemical variation, residue mobility, and thermodynamic stability) indicates that this missense variant is not expected to disrupt SAMD9 protein function with a negative predictive value of 95%. In summary, the available evidence is currently insufficient to determine the role of this variant in disease. Therefore, it has been classified as a Variant of Uncertain Significance.

GeneDx
Classification: Uncertain significance. Last evaluated: 2023-05-09. Review status: criteria provided, single submitter. Criteria: GeneDx Variant Classification Process June 2021. Collection method: clinical testing. Allele origin: germline. Affected: yes.
Comment: Not observed at significant frequency in large population cohorts (gnomAD); In silico analysis supports that this missense variant does not alter protein structure/function; Has not been previously published as pathogenic or benign to our knowledge

NM_017654.4(SAMD9):c.3572C>T (p.Thr1191Ile)

Gene: SAMD9 (sterile alpha motif domain containing 9; minus strand). Cytogenetic location: 7q21.2.
Variant type: single nucleotide variant.
Coding change: c.3572C>T on transcript NM_017654.4 (MANE Select); coding-DNA position 3572, C replaced by T.
Protein change: p.Thr1191Ile; replaces threonine 1191 with isoleucine.
Molecular consequence: missense variant.
Genome position (GRCh38, 1-based): chr7:93,102,526, G>A on the plus strand (C>T on the coding strand, the complement: SAMD9 is on the minus strand). VCF-style: chr7-93102526-G-A. GRCh37 (hg19) VCF-style: chr7-92731839-G-A.
Other names: c.3572C>T, p.Thr1191Ile (NM_001193307.2); c.3572C>T (NM_017654.3); short protein forms T1191I.
Identifiers: ClinVar variation 2694191 (VCV002694191.4), dbSNP rs2535355491, ClinGen allele CA368184292.